The following is an entry in ClinVar:

ClinVar aggregate classification (germline): Uncertain significance (1 of 4 stars; one submission).

Submission:

Labcorp Genetics (formerly Invitae), Labcorp
Classification: Uncertain significance. Last evaluated: 2021-06-13. Review status: criteria provided, single submitter. Criteria: Invitae Variant Classification Sherloc (09022015). Collection method: clinical testing. Allele origin: germline.
Comment: In summary, the available evidence is currently insufficient to determine the role of this variant in disease. Therefore, it has been classified as a Variant of Uncertain Significance. This sequence change creates a premature translational stop signal (p.Pro9Argfs*78) in the ATOH7 gene. While this is not anticipated to result in nonsense mediated decay, it is expected to disrupt the last 144 amino acid(s) of the ATOH7 protein. The frequency data for this variant in the population databases is considered unreliable, as metrics indicate insufficient coverage at this position in the ExAC database. This variant has not been reported in the literature in individuals with ATOH7-related conditions. Experimental studies and prediction algorithms are not available or were not evaluated, and the functional significance of this variant is currently unknown.

NM_145178.4(ATOH7):c.26del (p.Pro9fs)

Genes: ATOH7 (atonal bHLH transcription factor 7; minus strand), LOC130003943 (ATAC-STARR-seq lymphoblastoid silent region 2418; plus strand). Cytogenetic location: 10q21.3.
Variant type: Deletion.
Coding change: c.26del on transcript NM_145178.4 (MANE Select); coding-DNA position 26, one base deleted (C; older notation c.26delC).
Protein change: p.Pro9fs; shifts the reading frame from proline 9.
Molecular consequence: frameshift variant.
Genome position (GRCh38, 1-based): chr10:68,231,652, G deleted on the plus strand (C on the coding strand, the reverse complement: ATOH7 is on the minus strand); the first of 3 consecutive G bases (chr10:68,231,652-68,231,654); deleting any one gives the same sequence. VCF-style (leftmost placement, unchanged base first): chr10-68231651-CG-C. GRCh37 (hg19) VCF-style: chr10-69991408-CG-C.
Other names: short protein forms P9fs.
Identifiers: ClinVar variation 1449737 (VCV001449737.8), dbSNP rs1419612164, ClinGen allele CA667813118.
Genomic context (GRCh38, chr10:68,231,651, plus strand): 5'-GCACGTGCCCGCGCACTCGGTGCCGCCCGCGCACGGGGGTGCAACGCGCGCTCCCGCCGG[CG>C]GGCCGCTGGGCTTGCAGGACTTCATCCCCGGCCCCAAGCAGCGAGGCGCCGACCTCGCAC-3'